The following is an entry in ClinVar:

NM_007286.6(SYNPO):c.1687C>T (p.Pro563Ser)

Gene: SYNPO (synaptopodin; plus strand). Cytogenetic location: 5q33.1.
Variant type: single nucleotide variant.
Coding change: c.1687C>T on transcript NM_007286.6 (MANE Select); coding-DNA position 1687, C replaced by T.
Protein change: p.Pro563Ser; replaces proline 563 with serine.
Molecular consequence: missense variant.
Genome position (GRCh38, 1-based): chr5:150,649,962, C>T. VCF-style: chr5-150649962-C-T. GRCh37 (hg19) VCF-style: chr5-150029524-C-T.
Other names: c.1687C>T, p.Pro563Ser (NM_001109974.3); c.2419C>T, p.Pro807Ser (NM_001166208.2, NM_001166209.2); c.2419C>T (NM_001166208.1); short protein forms P563S, P807S.
Identifiers: ClinVar variation 2690214 (VCV002690214.6), dbSNP rs767231888, ClinGen allele CA3513459.

ClinVar aggregate classification (germline): Uncertain significance. Review status: criteria provided, multiple submitters, no conflicts (2 of 4 stars). 3 submissions from 3 submitters: Uncertain significance (3). Last evaluated 2025-03-16.

Allele frequency attached by ClinVar (database versions not stated): gnomAD 0.00003; gnomAD exomes 0.00003; TOPMed 0.00003; ExAC 0.00006.

Submissions (3):

Labcorp Genetics (formerly Invitae), Labcorp
Classification: Uncertain significance. Last evaluated: 2025-03-16. Review status: criteria provided, single submitter. Criteria: Invitae Variant Classification Sherloc (09022015). Collection method: clinical testing. Allele origin: germline.
Comment: This sequence change replaces proline, which is neutral and non-polar, with serine, which is neutral and polar, at codon 563 of the SYNPO protein (p.Pro563Ser). This variant is present in population databases (rs767231888, gnomAD 0.01%). This variant has not been reported in the literature in individuals affected with SYNPO-related conditions. ClinVar contains an entry for this variant (Variation ID: 2690214). An algorithm developed to predict the effect of missense changes on protein structure and function (PolyPhen-2) suggests that this variant is likely to be tolerated. In summary, the available evidence is currently insufficient to determine the role of this variant in disease. Therefore, it has been classified as a Variant of Uncertain Significance.

Ambry Genetics
Classification: Uncertain significance. Last evaluated: 2024-03-20. Review status: criteria provided, single submitter. Criteria: Ambry Variant Classification Scheme 2023. Collection method: clinical testing. Allele origin: germline.

Revvity Omics, Revvity
Classification: Uncertain significance. Last evaluated: 2022-04-20. Review status: criteria provided, single submitter. Criteria: ACMG Guidelines, 2015. Collection method: clinical testing. Allele origin: germline.